The following is an entry in ClinVar:

NM_016341.4(PLCE1):c.6382del (p.Glu2127_Val2128insTer)

Genes: NOC3L (NOC3 like DNA replication regulator; minus strand), PLCE1 (phospholipase C epsilon 1; plus strand). Cytogenetic location: 10q23.33.
Variant type: Deletion.
Coding change: c.6382del on transcript NM_016341.4 (MANE Select); coding-DNA position 6382, one base deleted (G; older notation c.6382delG).
Protein change: p.Glu2127_Val2128insTer.
Molecular consequence: nonsense.
Genome position (GRCh38, 1-based): chr10:94,321,940, G deleted; the last of 2 consecutive G bases (chr10:94,321,939-94,321,940); deleting either gives the same sequence. VCF-style (leftmost placement, unchanged base first): chr10-94321938-AG-A. GRCh37 (hg19) VCF-style: chr10-96081695-AG-A.
Other names: c.5458del, p.Glu1819_Val1820insTer (NM_001165979.2); c.6334del, p.Glu2111_Val2112insTer (NM_001288989.2).
Identifiers: ClinVar variation 4886476 (VCV004886476.2).

ClinVar aggregate classification (germline): Likely pathogenic (1 of 4 stars; one submission).

Submission:

Dasa
Classification: Likely pathogenic. Last evaluated: 2026-01-19. Review status: criteria provided, single submitter. Criteria: DASA Assertion Criteria. Collection method: clinical testing. Allele origin: germline.
Comment: NM_016341.4(PLCE1):c.6382del (p.Val2128*) is a nonsense variant in PLCE1 predicted to introduce a premature termination codon and is predicted to result in an absent or altered protein product. Loss of function is an established disease mechanism for PLCE1-associated disorders. Also, this variant is rare in population databases. Based on the currently available evidence, this variant is classified as likely pathogenic.